The following is an entry in ClinVar:

ClinVar aggregate classification (germline): Likely benign (1 of 4 stars; one submission).

Submission:

GeneDx
Classification: Likely benign. Last evaluated: 2016-09-22. Review status: criteria provided, single submitter. Criteria: GeneDx Variant Classification (06012015). Collection method: clinical testing. Allele origin: germline. Affected: yes.
Comment: This variant is considered likely benign or benign based on one or more of the following criteria: it is a conservative change, it occurs at a poorly conserved position in the protein, it is predicted to be benign by multiple in silico algorithms, and/or has population frequency not consistent with disease.

NM_000051.4(ATM):c.3942T>C (p.Thr1314=)

Gene: ATM (ATM serine/threonine kinase; plus strand). Cytogenetic location: 11q22.3.
Variant type: single nucleotide variant.
Coding change: c.3942T>C on transcript NM_000051.4 (MANE Select); coding-DNA position 3942, T replaced by C.
Protein change: p.Thr1314=; no amino-acid change (threonine 1314 retained).
Molecular consequence: synonymous variant.
Genome position (GRCh38, 1-based): chr11:108,284,422, T>C. VCF-style: chr11-108284422-T-C. GRCh37 (hg19) VCF-style: chr11-108155149-T-C.
Other names: c.3942T>C, p.Thr1314= (NM_001351834.2).
Identifiers: ClinVar variation 389512 (VCV000389512.1), dbSNP rs558360643, ClinGen allele CA16606067.